The following is an entry in ClinVar:

ClinVar aggregate classification (germline): Uncertain significance (1 of 4 stars; one submission).

Conditions:
Hereditary cancer-predisposing syndrome. Also called: Hereditary neoplastic syndrome; Neoplastic Syndromes, Hereditary; Tumor predisposition; Hereditary Cancer Syndrome. Identifiers: Orphanet 140162, MedGen C0027672, MeSH D009386, MONDO:0015356.
Cardiovascular phenotype. Identifiers: MedGen CN230736.

Submission:

Ambry Genetics
Classification: Uncertain significance for Cardiovascular phenotype; Hereditary cancer-predisposing syndrome. Last evaluated: 2024-12-23. Review status: criteria provided, single submitter. Criteria: Ambry Variant Classification Scheme 2023. Collection method: clinical testing. Allele origin: germline.
Comment: The c.2219+5C>G intronic variant results from a C to G substitution 5 nucleotides after coding exon 18 in the LZTR1 gene. This nucleotide position is highly conserved in available vertebrate species. In silico splice site analysis predicts that this alteration will not have any significant effect on splicing. Based on the available evidence, the clinical significance of this variant remains unclear.

NM_006767.4(LZTR1):c.2219+5C>G

Gene: LZTR1 (leucine zipper like post translational regulator 1; plus strand). Cytogenetic location: 22q11.21.
Variant type: single nucleotide variant.
Coding change: c.2219+5C>G on transcript NM_006767.4 (MANE Select); 5 bases into the intron after coding-DNA position 2219, C replaced by G.
Molecular consequence: intron variant.
Genome position (GRCh38, 1-based): chr22:20,996,117, C>G. VCF-style: chr22-20996117-C-G. GRCh37 (hg19) VCF-style: chr22-21350406-C-G.
Identifiers: ClinVar variation 3869264 (VCV003869264.1).